The following is an entry in ClinVar:

ClinVar aggregate classification (germline): Uncertain significance (1 of 4 stars; one submission).

Conditions:
Inborn genetic diseases. Identifiers: MedGen C0950123, MeSH D030342.

Submission:

Ambry Genetics
Classification: Uncertain significance for Inborn genetic diseases. Last evaluated: 2025-05-15. Review status: criteria provided, single submitter. Criteria: Ambry Variant Classification Scheme 2023. Collection method: clinical testing. Allele origin: germline.
Comment: The p.A583V variant (also known as c.1748C>T), located in coding exon 11 of the RECQL4 gene, results from a C to T substitution at nucleotide position 1748. The alanine at codon 583 is replaced by valine, an amino acid with similar properties. This amino acid position is conserved. In addition, the in silico prediction for this alteration is inconclusive. Based on the available evidence, the clinical significance of this variant remains unclear.

NM_004260.4(RECQL4):c.1748C>T (p.Ala583Val)

Gene: RECQL4 (RecQ like helicase 4; minus strand). Cytogenetic location: 8q24.3.
Variant type: single nucleotide variant.
Coding change: c.1748C>T on transcript NM_004260.4 (MANE Select); coding-DNA position 1748, C replaced by T.
Protein change: p.Ala583Val; replaces alanine 583 with valine.
Molecular consequence: missense variant. On other transcripts: non-coding transcript variant (3), intron variant (3).
Genome position (GRCh38, 1-based): chr8:144,514,319, G>A on the plus strand (C>T on the coding strand, the complement: RECQL4 is on the minus strand). VCF-style: chr8-144514319-G-A. GRCh37 (hg19) VCF-style: chr8-145739703-G-A.
Other names: c.1652C>T, p.Ala551Val (NM_001413017.1, NM_001413020.1); c.1748C>T, p.Ala583Val (NM_001413018.1, NM_001413019.1, NM_001413036.1); c.677C>T, p.Ala226Val (NM_001413021.1, NM_001413022.1, NM_001413023.1 and 6 more transcripts); c.1619C>T, p.Ala540Val (NM_001413025.1); c.611C>T, p.Ala204Val (NM_001413027.1, NM_001413030.1, NM_001413032.1 and 1 more transcripts); c.1397C>T, p.Ala466Val (NM_001413029.1); c.1718C>T, p.Ala573Val (NM_001413039.1); c.647C>T, p.Ala216Val (NM_001413042.1); and 4 more; short protein forms A226V, A466V, A216V, A573V, A94V, A540V, A204V, A551V.
Identifiers: ClinVar variation 3944319 (VCV003944319.1).